The following is an entry in ClinVar:

NM_020884.7(MYH7B):c.235A>G (p.Asn79Asp)

Gene: MYH7B (myosin heavy chain 7B; plus strand). Cytogenetic location: 20q11.22.
Variant type: single nucleotide variant.
Coding change: c.235A>G on transcript NM_020884.7 (MANE Select); coding-DNA position 235, A replaced by G.
Protein change: p.Asn79Asp; replaces asparagine 79 with aspartic acid.
Molecular consequence: missense variant.
Genome position (GRCh38, 1-based): chr20:34,979,697, A>G. VCF-style: chr20-34979697-A-G. GRCh37 (hg19) VCF-style: chr20-33567500-A-G.
Other names: short protein forms N79D.
Identifiers: ClinVar variation 1486716 (VCV001486716.5), dbSNP rs774618536, ClinGen allele CA9826366.
Genomic context (GRCh38, chr20:34,979,697, plus strand): 5'-CCCCTGACACGATCTCCCTGGTAGGTGCTGATGGTGCGTGAAGCCGAGCTGCAGCCCATG[A>G]ACCCGCCTCGCTTCGACTTACTGGAGGACATGGCCATGATGACGCACCTGAACGAGGCCT-3'
Protein context (NP_065935.4, residues 69-89): MVREAELQPM[Asn79Asp]PPRFDLLEDM

ClinVar aggregate classification (germline): Uncertain significance (1 of 4 stars; one submission).

Allele frequency attached by ClinVar (database versions not stated): gnomAD 0.00001; ExAC 0.00002; gnomAD exomes 0.00002 and 0.00005; TOPMed 0.00002.
gnomAD v4.1: 71 of 1,614,042 alleles (0.0044%); highest among the groups gnomAD compares: Non-Finnish European, 0.0055%; no homozygotes.

Submission:

Labcorp Genetics (formerly Invitae), Labcorp
Classification: Uncertain significance. Last evaluated: 2021-09-24. Review status: criteria provided, single submitter. Criteria: Invitae Variant Classification Sherloc (09022015). Collection method: clinical testing. Allele origin: germline.
Comment: This sequence change replaces asparagine with aspartic acid at codon 121 of the MYH7B protein (p.Asn121Asp). The asparagine residue is highly conserved and there is a small physicochemical difference between asparagine and aspartic acid. This variant is present in population databases (rs774618536, ExAC 0.009%). This variant has not been reported in the literature in individuals with MYH7B-related conditions. Algorithms developed to predict the effect of missense changes on protein structure and function are either unavailable or do not agree on the potential impact of this missense change (SIFT: "Deleterious"; PolyPhen-2: "Probably Damaging"; Align-GVGD: "Class C15"). In summary, the available evidence is currently insufficient to determine the role of this variant in disease. Therefore, it has been classified as a Variant of Uncertain Significance.